The following is an entry in ClinVar:

ClinVar aggregate classification (germline): Uncertain significance (1 of 4 stars; one submission).

Conditions:
SEMA3G-related disorder. Also called: SEMA3G-related condition.

Submission:

PreventionGenetics, part of Exact Sciences
Classification: Uncertain significance for SEMA3G-related condition. Last evaluated: 2026-08-13. Review status: criteria provided, single submitter. Criteria: ACMG Guidelines, 2015. Collection method: clinical testing. Allele origin: germline.
Comment: The SEMA3G c.358G>C variant is predicted to result in the amino acid substitution p.Val120Leu. To our knowledge, this variant has not been reported in the literature or in a large population database (gnomAD), indicating this variant is rare. At this time, the clinical significance of this variant is uncertain due to the absence of conclusive functional and genetic evidence.

NM_020163.3(SEMA3G):c.358G>C (p.Val120Leu)

Gene: SEMA3G (semaphorin 3G; minus strand). Cytogenetic location: 3p21.1.
Variant type: single nucleotide variant.
Coding change: c.358G>C on transcript NM_020163.3 (MANE Select); coding-DNA position 358, G replaced by C.
Protein change: p.Val120Leu; replaces valine 120 with leucine.
Molecular consequence: missense variant.
Genome position (GRCh38, 1-based): chr3:52,442,286, C>G on the plus strand (G>C on the coding strand, the complement: SEMA3G is on the minus strand). VCF-style: chr3-52442286-C-G. GRCh37 (hg19) VCF-style: chr3-52476302-C-G.
Other names: short protein forms V120L.
Identifiers: ClinVar variation 5002500 (VCV005002500.1).
Genomic context (GRCh38, chr3:52,442,286, plus strand): 5'-GGAAGGCCCCAGTGCCACAGGCTAGCAGGTGGGTCCGGTTGTGAGGCTGTAGCACCCGCA[C>G]GAAGTTGGCGCACTCTGTCTGCGGGGAGAAGGAGGGGGTGGTTGAGGGGTGAGAGGGGGT-3'
Protein context (NP_064548.1, residues 110-130): RDPLTECANF[Val120Leu]RVLQPHNRTH